The following is an entry in ClinVar:

NM_015978.3(TNNI3K):c.993A>G (p.Ile331Met)

Genes: FPGT-TNNI3K (FPGT-TNNI3K readthrough; plus strand), TNNI3K (TNNI3 interacting kinase; plus strand). Cytogenetic location: 1p31.1.
Variant type: single nucleotide variant.
Coding change: c.993A>G on transcript NM_015978.3 (MANE Select); coding-DNA position 993, A replaced by G.
Protein change: p.Ile331Met; replaces isoleucine 331 with methionine.
Molecular consequence: missense variant.
Genome position (GRCh38, 1-based): chr1:74,353,326, A>G. VCF-style: chr1-74353326-A-G. GRCh37 (hg19) VCF-style: chr1-74819010-A-G.
Other names: c.1296A>G, p.Ile432Met (NM_001112808.3, NM_001199327.2); short protein forms I331M, I432M.
Identifiers: ClinVar variation 1387899 (VCV001387899.6), dbSNP rs776988132, ClinGen allele CA909102.
Genomic context (GRCh38, chr1:74,353,326, plus strand): 5'-TGCTTGTACCTATGGCAAGAGCATTGACCTAGTCAAATTTCTTCTTGATCAGAATGTCAT[A>G]AACATCAACCACCAAGGAAGGGATGGGCACACTGGTAAGACTGTGGTGAAAACACCACTA-3'
Protein context (NP_057062.1, residues 321-341): LVKFLLDQNV[Ile331Met]NINHQGRDGH

ClinVar aggregate classification (germline): Uncertain significance (1 of 4 stars; one submission).

Allele frequency attached by ClinVar (database versions not stated): ExAC 0.00001; gnomAD exomes 0.00002 and 0.00003; gnomAD 0.00003 and 0.00004.
gnomAD v4.1: 31 of 1,613,832 alleles (0.0019%); highest among the groups gnomAD compares: Admixed American, 0.015%; no homozygotes.

Submission:

Labcorp Genetics (formerly Invitae), Labcorp
Classification: Uncertain significance. Last evaluated: 2025-10-13. Review status: criteria provided, single submitter. Criteria: Invitae Variant Classification Sherloc (09022015). Collection method: clinical testing. Allele origin: germline.
Comment: This sequence change replaces isoleucine, which is neutral and non-polar, with methionine, which is neutral and non-polar, at codon 331 of the TNNI3K protein (p.Ile331Met). This variant is present in population databases (rs776988132, gnomAD 0.02%). This variant has not been reported in the literature in individuals affected with TNNI3K-related conditions. ClinVar contains an entry for this variant (Variation ID: 1387899). Invitae Evidence Modeling of protein sequence and biophysical properties (such as structural, functional, and spatial information, amino acid conservation, physicochemical variation, residue mobility, and thermodynamic stability) indicates that this missense variant is not expected to disrupt TNNI3K protein function with a negative predictive value of 80%. In summary, the available evidence is currently insufficient to determine the role of this variant in disease. Therefore, it has been classified as a Variant of Uncertain Significance.